The following is an entry in ClinVar:

ClinVar aggregate classification (germline): Likely benign. Review status: criteria provided, multiple submitters, no conflicts (2 of 4 stars). 2 submissions from 2 submitters: Likely benign (2). Last evaluated 2026-05-28.

Submissions (2):

Ambry Genetics
Classification: Likely benign. Last evaluated: 2026-05-28. Review status: criteria provided, single submitter. Criteria: Ambry Variant Classification Scheme 2023. Collection method: clinical testing. Allele origin: germline.

GeneDx
Classification: Likely benign. Last evaluated: 2018-03-14. Review status: criteria provided, single submitter. Criteria: GeneDx Variant Classification (06012015). Collection method: clinical testing. Allele origin: germline. Affected: yes.
Comment: This variant is considered likely benign or benign based on one or more of the following criteria: it is a conservative change, it occurs at a poorly conserved position in the protein, it is predicted to be benign by multiple in silico algorithms, and/or has population frequency not consistent with disease.

NM_002907.4(RECQL):c.456A>G (p.Lys152=)

Gene: RECQL (RecQ like helicase; minus strand). Cytogenetic location: 12p12.1.
Variant type: single nucleotide variant.
Coding change: c.456A>G on transcript NM_002907.4 (MANE Select); coding-DNA position 456, A replaced by G.
Protein change: p.Lys152=; no amino-acid change (lysine 152 retained).
Molecular consequence: synonymous variant.
Genome position (GRCh38, 1-based): chr12:21,486,524, T>C on the plus strand (A>G on the coding strand, the complement: RECQL is on the minus strand). VCF-style: chr12-21486524-T-C. GRCh37 (hg19) VCF-style: chr12-21639458-T-C.
Other names: c.456A>G, p.Lys152= (NM_032941.3).
Identifiers: ClinVar variation 680897 (VCV000680897.2), dbSNP rs1591984647, ClinGen allele CA478873351.